The following is an entry in ClinVar:

NM_004304.5(ALK):c.3640C>T (p.Arg1214Cys)

Gene: ALK (ALK receptor tyrosine kinase; minus strand). Cytogenetic location: 2p23.2.
Variant type: single nucleotide variant.
Coding change: c.3640C>T on transcript NM_004304.5 (MANE Select); coding-DNA position 3640, C replaced by T.
Protein change: p.Arg1214Cys; replaces arginine 1214 with cysteine.
Molecular consequence: missense variant.
Genome position (GRCh38, 1-based): chr2:29,220,711, G>A on the plus strand (C>T on the coding strand, the complement: ALK is on the minus strand). VCF-style: chr2-29220711-G-A. GRCh37 (hg19) VCF-style: chr2-29443577-G-A.
Other names: c.436C>T, p.Arg146Cys (NM_001353765.2); short protein forms R1214C, R146C.
Identifiers: ClinVar variation 485083 (VCV000485083.12), dbSNP rs758172315, ClinGen allele CA1593839.

ClinVar aggregate classification (germline): Uncertain significance. Review status: criteria provided, multiple submitters, no conflicts (2 of 4 stars). 3 submissions from 3 submitters: Uncertain significance (3). Last evaluated 2025-10-09.

Conditions:
Hereditary cancer-predisposing syndrome. Also called: Hereditary neoplastic syndrome; Neoplastic Syndromes, Hereditary; Tumor predisposition; Hereditary Cancer Syndrome. Identifiers: Orphanet 140162, MedGen C0027672, MeSH D009386, MONDO:0015356.
Neuroblastoma, susceptibility to, 3. Also called: ALK-Related Neuroblastic Tumor Susceptibility. Identifiers: Orphanet 635, MedGen C2751681, MONDO:0013083, OMIM 613014.

Allele frequency attached by ClinVar (database versions not stated): gnomAD exomes 0.00001; ExAC 0.00002.
gnomAD v4.1: 12 of 1,613,634 alleles (0.00074%); highest among the groups gnomAD compares: Middle Eastern, 0.017%; no homozygotes.

Submissions (3):

Labcorp Genetics (formerly Invitae), Labcorp
Classification: Uncertain significance for Neuroblastoma, susceptibility to, 3. Last evaluated: 2025-10-09. Review status: criteria provided, single submitter. Criteria: Invitae Variant Classification Sherloc (09022015). Collection method: clinical testing. Allele origin: germline.
Comment: This sequence change replaces arginine, which is basic and polar, with cysteine, which is neutral and slightly polar, at codon 1214 of the ALK protein (p.Arg1214Cys). This variant is present in population databases (rs758172315, gnomAD 0.003%). This variant has not been reported in the literature in individuals affected with ALK-related conditions. ClinVar contains an entry for this variant (Variation ID: 485083). An algorithm developed to predict the effect of missense changes on protein structure and function (PolyPhen-2) suggests that this variant is likely to be disruptive. In summary, the available evidence is currently insufficient to determine the role of this variant in disease. Therefore, it has been classified as a Variant of Uncertain Significance.

Ambry Genetics
Classification: Uncertain significance for Hereditary cancer-predisposing syndrome. Last evaluated: 2025-10-06. Review status: criteria provided, single submitter. Criteria: Ambry Variant Classification Scheme 2023. Collection method: clinical testing. Allele origin: germline.
Comment: The p.R1214C variant (also known as c.3640C>T), located in coding exon 23 of the ALK gene, results from a C to T substitution at nucleotide position 3640. The arginine at codon 1214 is replaced by cysteine, an amino acid with highly dissimilar properties. This amino acid position is highly conserved in available vertebrate species. In addition, the in silico prediction for this alteration is inconclusive. Since supporting evidence is limited at this time, the clinical significance of this alteration remains unclear.

Baylor Genetics
Classification: Uncertain significance for Neuroblastoma, susceptibility to, 3. Last evaluated: 2023-06-14. Review status: criteria provided, single submitter. Criteria: ACMG Guidelines, 2015. Collection method: clinical testing. Allele origin: unknown.